The following is an entry in ClinVar:

ClinVar aggregate classification (germline): Conflicting classifications of pathogenicity. Review status: criteria provided, conflicting classifications (1 of 4 stars). 2 submissions from 2 submitters: Pathogenic (1); Uncertain significance (1). Last evaluated 2025-07-01.

Conditions:
Hereditary cancer-predisposing syndrome. Also called: Neoplastic Syndromes, Hereditary; Tumor predisposition; Hereditary Cancer Syndrome; Hereditary neoplastic syndrome. Identifiers: Orphanet 140162, MedGen C0027672, MeSH D009386, MONDO:0015356.

Submissions (2):

Ambry Genetics
Classification: Pathogenic for Hereditary cancer-predisposing syndrome. Last evaluated: 2025-07-01. Review status: criteria provided, single submitter. Criteria: Ambry Variant Classification Scheme 2023. Collection method: clinical testing. Allele origin: germline.
Comment: The p.Q176* pathogenic mutation (also known as c.526C>T), located in coding exon 4 of the CTNNA1 gene, results from a C to T substitution at nucleotide position 526. This changes the amino acid from a glutamine to a stop codon within coding exon 4. This variant is considered to be rare based on population cohorts in the Genome Aggregation Database (gnomAD). This alteration is expected to result in loss of function by premature protein truncation or nonsense-mediated mRNA decay. As such, this alteration is interpreted as a disease-causing mutation.

Labcorp Genetics (formerly Invitae), Labcorp
Classification: Uncertain significance. Last evaluated: 2018-10-11. Review status: criteria provided, single submitter. Criteria: Invitae Variant Classification Sherloc (09022015). Collection method: clinical testing. Allele origin: germline.
Comment: This sequence change creates a premature translational stop signal (p.Gln176*) in the CTNNA1 gene. It is expected to result in an absent or disrupted protein product. This variant is not present in population databases (ExAC no frequency). This variant has not been reported in the literature in individuals with CTNNA1-related disease. The current clinical and genetic evidence is not sufficient to establish whether loss-of-function variants in CTNNA1 cause disease. In summary, the available evidence is currently insufficient to determine the role of this variant in disease. Therefore, it has been classified as a Variant of Uncertain Significance.

NM_001903.5(CTNNA1):c.526C>T (p.Gln176Ter)

Gene: CTNNA1 (catenin alpha 1; plus strand). Cytogenetic location: 5q31.2.
Variant type: single nucleotide variant.
Coding change: c.526C>T on transcript NM_001903.5 (MANE Select); coding-DNA position 526, C replaced by T.
Protein change: p.Gln176Ter; replaces glutamine 176 with a stop codon.
Molecular consequence: nonsense.
Genome position (GRCh38, 1-based): chr5:138,812,240, C>T. VCF-style: chr5-138812240-C-T. GRCh37 (hg19) VCF-style: chr5-138147929-C-T.
Other names: c.526C>T, p.Gln176Ter (NM_001290307.3, NM_001323982.2, NM_001323983.1 and 3 more transcripts); c.217C>T, p.Gln73Ter (NM_001290309.3); c.157C>T, p.Gln53Ter (NM_001290310.3); short protein forms Q53*, Q176*, Q73*.
Identifiers: ClinVar variation 651221 (VCV000651221.4), dbSNP rs1581119469, ClinGen allele CA361125282.
Genomic context (GRCh38, chr5:138,812,240, plus strand): 5'-TAGGTGGAAGATGGTATCTTGAAGTTGAGGAATGCTGGCAATGAACAAGACTTAGGAATC[C>T]AGTATAAAGCCCTAAAACCTGAAGTGGATAAGCTGAACATTATGGCAGCCAAAAGACAAC-3'